The following is an entry in ClinVar:

ClinVar aggregate classification (germline): Uncertain significance. Review status: criteria provided, multiple submitters, no conflicts (2 of 4 stars). 2 submissions from 2 submitters: Uncertain significance (2). Last evaluated 2025-08-28.

Conditions:
Hereditary cancer-predisposing syndrome. Also called: Hereditary neoplastic syndrome; Neoplastic Syndromes, Hereditary; Tumor predisposition; Hereditary Cancer Syndrome. Identifiers: Orphanet 140162, MedGen C0027672, MeSH D009386, MONDO:0015356.
Rhabdoid tumor predisposition syndrome 2 (RTPS2). Identifiers: Orphanet 231108, Orphanet 69077, MedGen C2750074, MONDO:0013224, OMIM 613325.

Submissions (2):

Ambry Genetics
Classification: Uncertain significance for Hereditary cancer-predisposing syndrome. Last evaluated: 2025-08-28. Review status: criteria provided, single submitter. Criteria: Ambry Variant Classification Scheme 2023. Collection method: clinical testing. Allele origin: germline.
Comment: The c.222+5G>C intronic variant results from a G to C substitution 5 nucleotides after coding exon 1 in the SMARCA4 gene. This nucleotide position is highly conserved in available vertebrate species. In silico splice site analysis predicts that this alteration will not have any significant effect on splicing. Based on the available evidence, the clinical significance of this variant remains unclear.

Labcorp Genetics (formerly Invitae), Labcorp
Classification: Uncertain significance for Rhabdoid tumor predisposition syndrome 2. Last evaluated: 2017-07-17. Review status: criteria provided, single submitter. Criteria: Invitae Variant Classification Sherloc (09022015). Collection method: clinical testing. Allele origin: germline.
Comment: In summary, the available evidence is currently insufficient to determine the role of this variant in disease. Therefore, it has been classified as a Variant of Uncertain Significance. Nucleotide substitutions within the consensus splice site are relatively common causes of aberrant splicing (PMID: 17576681, 9536098). Algorithms developed to predict the effect of sequence changes on RNA splicing suggest that this variant may disrupt the consensus splice site, but this prediction has not been confirmed by published transcriptional studies. This variant has not been reported in the literature in individuals with SMARCA4-related disease. This variant is not present in population databases (ExAC no frequency). This sequence change falls in intron 2 of the SMARCA4 gene. It does not directly change the encoded amino acid sequence of the SMARCA4 protein, but it affects a nucleotide within the consensus splice site of the intron.

Literature cited by the submitters: PubMed 17576681 (cited by Labcorp Genetics (formerly Invitae), Labcorp); PubMed 9536098 (cited by Labcorp Genetics (formerly Invitae), Labcorp).

NM_003072.5(SMARCA4):c.222+5G>C

Gene: SMARCA4 (SWI/SNF related BAF chromatin remodeling complex subunit ATPase 4; plus strand). Cytogenetic location: 19p13.2.
Variant type: single nucleotide variant.
Coding change: c.222+5G>C on transcript NM_003072.5 (MANE Select); 5 bases into the intron after coding-DNA position 222, G replaced by C.
Molecular consequence: intron variant.
Genome position (GRCh38, 1-based): chr19:10,984,378, G>C. VCF-style: chr19-10984378-G-C. GRCh37 (hg19) VCF-style: chr19-11095054-G-C.
Other names: c.222+5G>C (NM_001128844.3, NM_001128849.3, NM_001128847.4 and 5 more transcripts).
Identifiers: ClinVar variation 470290 (VCV000470290.7), dbSNP rs1555751086, ClinGen allele CA658658770.